The following is an entry in ClinVar:

ClinVar aggregate classification (germline): Conflicting classifications of pathogenicity. Review status: criteria provided, conflicting classifications (1 of 4 stars). 2 submissions from 2 submitters: Uncertain significance (1); Likely benign (1). Last evaluated 2025-07-03.

Conditions:
FLNA-related disorder.
Familial thoracic aortic aneurysm and aortic dissection (TAAD). Also called: Thoracic aortic aneurysms and dissections. Identifiers: Orphanet 91387, MedGen C4707243, MONDO:0019625.

Allele frequency attached by ClinVar (database versions not stated): TOPMed 0.00002.

Submissions (2):

Ambry Genetics
Classification: Likely benign for Familial thoracic aortic aneurysm and aortic dissection. Last evaluated: 2025-07-03. Review status: criteria provided, single submitter. Criteria: Ambry Variant Classification Scheme 2023. Collection method: clinical testing. Allele origin: germline.

PreventionGenetics, part of Exact Sciences
Classification: Uncertain significance for FLNA-related condition. Last evaluated: 2023-04-18. Review status: criteria provided, single submitter. Criteria: ACMG Guidelines, 2015. Collection method: clinical testing. Allele origin: germline.
Comment: The FLNA c.1123G>A variant is predicted to result in the amino acid substitution p.Asp375Asn. To our knowledge, this variant has not been reported in the literature or in a large population database, indicating this variant is rare. At this time, the clinical significance of this variant is uncertain due to the absence of conclusive functional and genetic evidence.

NM_001110556.2(FLNA):c.1123G>A (p.Asp375Asn)

Gene: FLNA (filamin A; minus strand). Cytogenetic location: Xq28.
Variant type: single nucleotide variant.
Coding change: c.1123G>A on transcript NM_001110556.2 (MANE Select); coding-DNA position 1123, G replaced by A.
Protein change: p.Asp375Asn; replaces aspartic acid 375 with asparagine.
Molecular consequence: missense variant.
Genome position (GRCh38, 1-based): chrX:154,366,413, C>T on the plus strand (G>A on the coding strand, the complement: FLNA is on the minus strand). VCF-style: chrX-154366413-C-T. GRCh37 (hg19) VCF-style: chrX-153594781-C-T.
Other names: c.1123G>A (NM_001456.3); c.1123G>A, p.Asp375Asn (NM_001456.4); short protein forms D375N.
Identifiers: ClinVar variation 2632901 (VCV002632901.2), dbSNP rs2067761169, ClinGen allele CA415244608.